The following is an entry in ClinVar:

ClinVar aggregate classification (germline): Uncertain significance (1 of 4 stars; one submission).

Submission:

Labcorp Genetics (formerly Invitae), Labcorp
Classification: Uncertain significance. Last evaluated: 2025-03-18. Review status: criteria provided, single submitter. Criteria: Invitae Variant Classification Sherloc (09022015). Collection method: clinical testing. Allele origin: germline.
Comment: This variant, c.423_424insAAT, results in the insertion of 1 amino acid(s) of the SRP72 protein (p.Asp141_Asp142insAsn), but otherwise preserves the integrity of the reading frame. This variant is not present in population databases (gnomAD no frequency). This variant has not been reported in the literature in individuals affected with SRP72-related conditions. In summary, the available evidence is currently insufficient to determine the role of this variant in disease. Therefore, it has been classified as a Variant of Uncertain Significance.

NM_006947.4(SRP72):c.423_424insAAT (p.Asp141_Asp142insAsn)

Gene: SRP72 (signal recognition particle 72; plus strand). Cytogenetic location: 4q12.
Variant type: Insertion.
Coding change: c.423_424insAAT on transcript NM_006947.4 (MANE Select); coding-DNA positions 423 to 424, AAT inserted.
Protein change: p.Asp141_Asp142insAsn.
Molecular consequence: inframe insertion. On other transcripts: non-coding transcript variant (1).
Genome position: GRCh38 VCF-style: chr4-56474120-G-GATA. GRCh37 (hg19) VCF-style: chr4-57340286-G-GATA.
Other names: c.423_424insAAT, p.Asp141_Asp142insAsn (NM_001267722.2).
Identifiers: ClinVar variation 4715325 (VCV004715325.1).